The following is an entry in ClinVar:

ClinVar aggregate classification (germline): Likely benign (1 of 4 stars; one submission).

gnomAD v4.1: 4,933 of 1,611,060 alleles (0.31%); highest among the groups gnomAD compares: Non-Finnish European, 0.37%; 11 homozygotes.

Submission:

CeGaT Center for Human Genetics Tuebingen
Classification: Likely benign. Last evaluated: 2026-02-01. Review status: criteria provided, single submitter. Criteria: CeGaT Center For Human Genetics Tuebingen Variant Classification Criteria Version 2. Collection method: clinical testing. Allele origin: germline. Affected: yes. Observed: 2 variant alleles.
Comment: TLN2: PP3, BS1

NM_015059.3(TLN2):c.7411C>T (p.Leu2471Phe)

Genes: TLN2 (talin 2; plus strand), TLN2-AS3 (TLN2 antisense RNA 3; minus strand). Cytogenetic location: 15q22.2.
Variant type: single nucleotide variant.
Coding change: c.7411C>T on transcript NM_015059.3 (MANE Select); coding-DNA position 7411, C replaced by T.
Protein change: p.Leu2471Phe; replaces leucine 2471 with phenylalanine.
Molecular consequence: missense variant.
Genome position (GRCh38, 1-based): chr15:62,838,892, C>T. VCF-style: chr15-62838892-C-T. GRCh37 (hg19) VCF-style: chr15-63131091-C-T.
Other names: c.7411C>T, p.Leu2471Phe (NM_001394547.1); short protein forms L2471F.
Identifiers: ClinVar variation 3387843 (VCV003387843.14).